The following is an entry in ClinVar:

NM_006231.4(POLE):c.2093T>C (p.Leu698Ser)

Gene: POLE (DNA polymerase epsilon, catalytic subunit; minus strand). Cytogenetic location: 12q24.33.
Variant type: single nucleotide variant.
Coding change: c.2093T>C on transcript NM_006231.4 (MANE Select); coding-DNA position 2093, T replaced by C.
Protein change: p.Leu698Ser; replaces leucine 698 with serine.
Molecular consequence: missense variant.
Genome position (GRCh38, 1-based): chr12:132,668,436, A>G on the plus strand (T>C on the coding strand, the complement: POLE is on the minus strand). VCF-style: chr12-132668436-A-G. GRCh37 (hg19) VCF-style: chr12-133245022-A-G.
Other names: c.2093T>C (NM_006231.2); short protein forms L698S.
Identifiers: ClinVar variation 1464542 (VCV001464542.10), dbSNP rs2135975504, ClinGen allele CA387354027.

ClinVar aggregate classification (germline): Uncertain significance. Review status: criteria provided, multiple submitters, no conflicts (2 of 4 stars). 3 submissions from 3 submitters: Uncertain significance (3). Last evaluated 2024-08-29.

Conditions:
Hereditary cancer-predisposing syndrome. Also called: Tumor predisposition; Hereditary neoplastic syndrome; Hereditary Cancer Syndrome; Neoplastic Syndromes, Hereditary. Identifiers: Orphanet 140162, MedGen C0027672, MeSH D009386, MONDO:0015356.

Allele frequency attached by ClinVar (database versions not stated): gnomAD exomes below 0.00001.
gnomAD v4.1: 2 of 1,612,520 alleles (0.00012%); highest among the groups gnomAD compares: Non-Finnish European, 0.00017%; no homozygotes.

Submissions (3):

Labcorp Genetics (formerly Invitae), Labcorp
Classification: Uncertain significance. Last evaluated: 2024-08-29. Review status: criteria provided, single submitter. Criteria: Invitae Variant Classification Sherloc (09022015). Collection method: clinical testing. Allele origin: germline.
Comment: This sequence change replaces leucine, which is neutral and non-polar, with serine, which is neutral and polar, at codon 698 of the POLE protein (p.Leu698Ser). This variant is not present in population databases (gnomAD no frequency). This variant has not been reported in the literature in individuals affected with POLE-related conditions. ClinVar contains an entry for this variant (Variation ID: 1464542). Invitae Evidence Modeling of protein sequence and biophysical properties (such as structural, functional, and spatial information, amino acid conservation, physicochemical variation, residue mobility, and thermodynamic stability) indicates that this missense variant is not expected to disrupt POLE protein function with a negative predictive value of 80%. In summary, the available evidence is currently insufficient to determine the role of this variant in disease. Therefore, it has been classified as a Variant of Uncertain Significance.

Ambry Genetics
Classification: Uncertain significance for Hereditary cancer-predisposing syndrome. Last evaluated: 2023-08-30. Review status: criteria provided, single submitter. Criteria: Ambry Variant Classification Scheme 2023. Collection method: clinical testing. Allele origin: germline.
Comment: The p.L698S variant (also known as c.2093T>C), located in coding exon 19 of the POLE gene, results from a T to C substitution at nucleotide position 2093. The leucine at codon 698 is replaced by serine, an amino acid with dissimilar properties. This amino acid position is conserved. In addition, this alteration is predicted to be tolerated by in silico analysis. Since supporting evidence is limited at this time, the clinical significance of this alteration remains unclear.

GeneDx
Classification: Uncertain significance. Last evaluated: 2022-07-18. Review status: criteria provided, single submitter. Criteria: GeneDx Variant Classification Process June 2021. Collection method: clinical testing. Allele origin: germline. Affected: yes.
Comment: Not observed at significant frequency in large population cohorts (gnomAD); In silico analysis supports that this missense variant has a deleterious effect on protein structure/function; Has not been previously published as pathogenic or benign to our knowledge